The following is an entry in ClinVar:

ClinVar aggregate classification (germline): Conflicting classifications of pathogenicity. Review status: criteria provided, conflicting classifications (1 of 4 stars). 4 submissions from 4 submitters: Uncertain significance (3); Likely benign (1). Last evaluated 2025-05-22.

Conditions:
Cardiomyopathy, dilated, 2E. Identifiers: MedGen C5561970, MONDO:0030366, OMIM 619492.
Hypertrophic cardiomyopathy 17. Identifiers: MedGen C3151264, MONDO:0013474, OMIM 613873.
JPH2-related disorder. Also called: JPH2-related condition.
Cardiovascular phenotype. Identifiers: MedGen CN230736.
Hypertrophic cardiomyopathy. Also called: HYPERTROPHIC MYOCARDIOPATHY. Identifiers: Orphanet 217569, MedGen C0007194, MeSH D002312, MONDO:0005045, HP:0001639.

Allele frequency attached by ClinVar (database versions not stated): gnomAD 0.00001; gnomAD exomes 0.00001; TOPMed 0.00001.
gnomAD v4.1: 7 of 1,570,784 alleles (0.00045%); highest among the groups gnomAD compares: Non-Finnish European, 0.00052%; no homozygotes.

Submissions (4):

PreventionGenetics, part of Exact Sciences
Classification: Uncertain significance for JPH2-related condition. Last evaluated: 2025-05-22. Review status: criteria provided, single submitter. Criteria: ACMG Guidelines, 2015. Collection method: clinical testing. Allele origin: germline.
Comment: The JPH2 c.1753C>T variant is predicted to result in the amino acid substitution p.Pro585Ser. To our knowledge, this variant has not been reported in the literature. This variant is reported in 0.0014% of alleles in individuals of European (Non-Finnish) descent in gnomAD. At this time, the clinical significance of this variant is uncertain due to the absence of conclusive functional and genetic evidence.

Ambry Genetics
Classification: Likely benign for Cardiovascular phenotype. Last evaluated: 2024-06-21. Review status: criteria provided, single submitter. Criteria: Ambry Variant Classification Scheme 2023. Collection method: clinical testing. Allele origin: germline.

Labcorp Genetics (formerly Invitae), Labcorp
Classification: Uncertain significance for Hypertrophic cardiomyopathy. Last evaluated: 2022-07-08. Review status: criteria provided, single submitter. Criteria: Invitae Variant Classification Sherloc (09022015). Collection method: clinical testing. Allele origin: germline.
Comment: ClinVar contains an entry for this variant (Variation ID: 1429402). In summary, the available evidence is currently insufficient to determine the role of this variant in disease. Therefore, it has been classified as a Variant of Uncertain Significance. Algorithms developed to predict the effect of missense changes on protein structure and function are either unavailable or do not agree on the potential impact of this missense change (SIFT: "Tolerated"; PolyPhen-2: "Possibly Damaging"; Align-GVGD: "Class C0"). This variant has not been reported in the literature in individuals affected with JPH2-related conditions. The frequency data for this variant in the population databases is considered unreliable, as metrics indicate poor data quality at this position in the gnomAD database. This sequence change replaces proline, which is neutral and non-polar, with serine, which is neutral and polar, at codon 585 of the JPH2 protein (p.Pro585Ser).

Fulgent Genetics
Classification: Uncertain significance for Hypertrophic cardiomyopathy 17; Cardiomyopathy, dilated, 2E. Last evaluated: 2021-11-07. Review status: criteria provided, single submitter. Criteria: ACMG Guidelines, 2015. Collection method: clinical testing. Allele origin: unknown.

NM_020433.5(JPH2):c.1753C>T (p.Pro585Ser)

Gene: JPH2 (junctophilin 2; minus strand). Cytogenetic location: 20q13.12.
Variant type: single nucleotide variant.
Coding change: c.1753C>T on transcript NM_020433.5 (MANE Select); coding-DNA position 1753, C replaced by T.
Protein change: p.Pro585Ser; replaces proline 585 with serine.
Molecular consequence: missense variant.
Genome position (GRCh38, 1-based): chr20:44,115,922, G>A on the plus strand (C>T on the coding strand, the complement: JPH2 is on the minus strand). VCF-style: chr20-44115922-G-A. GRCh37 (hg19) VCF-style: chr20-42744562-G-A.
Other names: short protein forms P585S.
Identifiers: ClinVar variation 1429402 (VCV001429402.11), dbSNP rs745760392, ClinGen allele CA9868622.